The following is an entry in ClinVar:

NM_152564.5(VPS13B):c.1335C>T (p.Cys445=)

Gene: VPS13B (vacuolar protein sorting 13 homolog B; plus strand). Cytogenetic location: 8q22.2.
Variant type: single nucleotide variant.
Coding change: c.1335C>T on transcript NM_152564.5 (MANE Select); coding-DNA position 1335, C replaced by T.
Protein change: p.Cys445=; no amino-acid change (cysteine 445 retained).
Molecular consequence: synonymous variant.
Genome position (GRCh38, 1-based): chr8:99,135,047, C>T. VCF-style: chr8-99135047-C-T. GRCh37 (hg19) VCF-style: chr8-100147275-C-T.
Other names: c.1335C>T, p.Cys445= (NM_015243.3, NM_017890.5).
Identifiers: ClinVar variation 2993861 (VCV002993861.4), dbSNP rs765890153, ClinGen allele CA4822613.

ClinVar aggregate classification (germline): Likely benign. Review status: criteria provided, single submitter (1 of 4 stars). 2 submissions from 2 submitters: Likely benign (1). 1 of the submissions does not count toward it. Last evaluated 2024-02-01.

Conditions:
Cohen syndrome (COH1). Also called: PEPPER SYNDROME; Cutis verticis gyrata, retinitis pigmentosa, and sensorineural deafness. Identifiers: Orphanet 193, MedGen C0265223, MONDO:0008999, OMIM 216550.
VPS13B-related disorder. Also called: VPS13B-related condition.

Allele frequency attached by ClinVar (database versions not stated): ExAC 0.00002; gnomAD 0.00003; TOPMed 0.00003; gnomAD exomes 0.00005.
gnomAD v4.1: 77 of 1,613,314 alleles (0.0048%); highest among the groups gnomAD compares: Non-Finnish European, 0.0063%; no homozygotes.

Submissions (2):

Labcorp Genetics (formerly Invitae), Labcorp
Classification: Likely benign for Cohen syndrome. Last evaluated: 2024-02-01. Review status: criteria provided, single submitter. Criteria: Invitae Variant Classification Sherloc (09022015). Collection method: clinical testing. Allele origin: germline.

PreventionGenetics, part of Exact Sciences
Classification: Likely benign for VPS13B-related condition. Last evaluated: 2024-03-06. Review status: no assertion criteria provided. Collection method: clinical testing. Allele origin: germline. Not counted in ClinVar's aggregate classification.
Comment: This variant is classified as likely benign based on ACMG/AMP sequence variant interpretation guidelines (Richards et al. 2015 PMID: 25741868, with internal and published modifications).